The following is an entry in ClinVar:

NM_000297.4(PKD2):c.1508del (p.Phe503fs)

Gene: PKD2 (polycystin 2, transient receptor potential cation channel; plus strand). Cytogenetic location: 4q22.1.
Variant type: Deletion.
Coding change: c.1508del on transcript NM_000297.4 (MANE Select); coding-DNA position 1508, one base deleted (T; older notation c.1508delT).
Protein change: p.Phe503fs; shifts the reading frame from phenylalanine 503.
Molecular consequence: frameshift variant. On other transcripts: non-coding transcript variant (1).
Genome position (GRCh38, 1-based): chr4:88,046,830, T deleted; the last of 3 consecutive T bases (chr4:88,046,828-88,046,830); deleting any one gives the same sequence. VCF-style (leftmost placement, unchanged base first): chr4-88046827-AT-A. GRCh37 (hg19) VCF-style: chr4-88967979-AT-A.
Other names: short protein forms F503fs.
Identifiers: ClinVar variation 3031001 (VCV003031001.4), dbSNP rs2475925677, ClinGen allele CA2740091307.

ClinVar aggregate classification (germline): Pathogenic/Likely pathogenic. Review status: criteria provided, multiple submitters, no conflicts (2 of 4 stars). 2 submissions from 2 submitters: Pathogenic (1); Likely pathogenic (1). Last evaluated 2026-02-24.

Conditions:
PKD2-related disorder. Also called: PKD2-related condition.

Submissions (2):

PreventionGenetics, part of Exact Sciences
Classification: Pathogenic for PKD2-related condition. Last evaluated: 2026-02-24. Review status: criteria provided, single submitter. Criteria: ACMG Guidelines, 2015. Collection method: clinical testing. Allele origin: germline.
Comment: The PKD2 c.1508delT variant is predicted to result in a frameshift and premature protein termination (p.Phe503Serfs*11). To our knowledge, this variant has not been reported in the literature or in a large population database (gnomAD), indicating this variant is rare. Frameshift variants in PKD2 are expected to be pathogenic. This variant is interpreted as pathogenic.

Blueprint Genetics
Classification: Likely pathogenic for PKD2-related disorders. Last evaluated: 2024-04-10. Review status: criteria provided, single submitter. Criteria: ACMG Guidelines, 2015. Collection method: clinical testing. Allele origin: germline. Affected: yes. Observed: 1 variant allele.